The following is an entry in ClinVar:

NM_014476.6(PDLIM3):c.231T>G (p.Cys77Trp)

Gene: PDLIM3 (PDZ and LIM domain 3; minus strand). Cytogenetic location: 4q35.1.
Variant type: single nucleotide variant.
Coding change: c.231T>G on transcript NM_014476.6 (MANE Select); coding-DNA position 231, T replaced by G.
Protein change: p.Cys77Trp; replaces cysteine 77 with tryptophan.
Molecular consequence: missense variant. On other transcripts: non-coding transcript variant (1), intron variant (1).
Genome position (GRCh38, 1-based): chr4:185,525,034, A>C on the plus strand (T>G on the coding strand, the complement: PDLIM3 is on the minus strand). VCF-style: chr4-185525034-A-C. GRCh37 (hg19) VCF-style: chr4-186446188-A-C.
Other names: c.231T>G, p.Cys77Trp (NM_001114107.5, NM_001257962.2); c.93+10308T>G (NM_001257963.2); short protein forms C77W.
Identifiers: ClinVar variation 4783145 (VCV004783145.1).

ClinVar aggregate classification (germline): Uncertain significance (1 of 4 stars; one submission).

Conditions:
Primary dilated cardiomyopathy (DCM). Also called: Dilated Cardiomyopathy. Identifiers: Orphanet 217604, MedGen C0007193, MeSH D002311, MONDO:0005021, HP:0001644. Inheritance: Various modes of inheritance.
Hypertrophic cardiomyopathy. Also called: HYPERTROPHIC MYOCARDIOPATHY. Identifiers: Orphanet 217569, MedGen C0007194, MeSH D002312, MONDO:0005045, HP:0001639.

Submission:

Labcorp Genetics (formerly Invitae), Labcorp
Classification: Uncertain significance for Hypertrophic cardiomyopathy; Primary dilated cardiomyopathy. Last evaluated: 2025-07-29. Review status: criteria provided, single submitter. Criteria: Invitae Variant Classification Sherloc (09022015). Collection method: clinical testing. Allele origin: germline.
Comment: This sequence change replaces cysteine, which is neutral and slightly polar, with tryptophan, which is neutral and slightly polar, at codon 77 of the PDLIM3 protein (p.Cys77Trp). This variant is not present in population databases (gnomAD no frequency). This variant has not been reported in the literature in individuals affected with PDLIM3-related conditions. Invitae Evidence Modeling of protein sequence and biophysical properties (such as structural, functional, and spatial information, amino acid conservation, physicochemical variation, residue mobility, and thermodynamic stability) indicates that this missense variant is not expected to disrupt PDLIM3 protein function with a negative predictive value of 80%. In summary, the available evidence is currently insufficient to determine the role of this variant in disease. Therefore, it has been classified as a Variant of Uncertain Significance.